The following is an entry in ClinVar:

ClinVar aggregate classification (germline): Conflicting classifications of pathogenicity. Review status: criteria provided, conflicting classifications (1 of 4 stars). 4 submissions from 4 submitters: Likely pathogenic (1); Uncertain significance (3). Last evaluated 2025-12-15.

Conditions:
Gaucher disease. Also called: Acute cerebral Gaucher disease; Cerebroside lipidosis syndrome; Gaucher splenomegaly; Sphingolipidosis 1; Glucocerebrosidosis; Glucosylceramidase deficiency. Identifiers: Orphanet 355, MedGen C0017205, MONDO:0018150.

Allele frequency attached by ClinVar (database versions not stated): TOPMed below 0.00001; gnomAD 0.00001.
gnomAD v4.1: 1 of 1,613,494 alleles (0.000062%); highest among the groups gnomAD compares: Non-Finnish European, 0.000085%; no homozygotes.

Submissions (4):

Natera, Inc.
Classification: Likely pathogenic for Gaucher disease. Last evaluated: 2025-12-15. Review status: criteria provided, single submitter. Criteria: Natera Variant Classification Schema (03/2026). Collection method: clinical testing. Allele origin: germline.
Comment: The c.473T>C variant in GBA1 is a missense variant predicted to cause substitution of isoleucine to threonine at amino acid 158. This variant is rare in the general population with a frequency below the threshold expected for the associated phenotype(s). This variant has been observed in one or more individuals affected with the associated recessive disease, as either homozygous or compound heterozygous with a second variant (PMID: 9683600). A different variant at the same position has been determined to be Pathogenic or Likely Pathogenic. Computational prediction algorithms indicate this variant is likely to affect gene or protein function. Given the available evidence, this variant is classified as Likely Pathogenic.

Mayo Clinic Laboratories, Mayo Clinic
Classification: Uncertain significance. Last evaluated: 2025-09-27. Review status: criteria provided, single submitter. Criteria: ACMG Guidelines, 2015. Collection method: clinical testing. Allele origin: germline. Observed: 1 variant allele.
Comment: PP3, PP4, PM2_supporting, PM3_supporting

Women's Health and Genetics/Laboratory Corporation of America, LabCorp
Classification: Uncertain significance. Last evaluated: 2023-11-10. Review status: criteria provided, single submitter. Criteria: LabCorp Variant Classification Summary - May 2015. Collection method: clinical testing. Allele origin: germline.
Comment: Variant summary: GBA c.473T>C (p.Ile158Thr) results in a non-conservative amino acid change in the Glycosyl hydrolase family 30, TIM-barrel domain (IPR033453) of the encoded protein sequence. Four of five in-silico tools predict a damaging effect of the variant on protein function. The variant was absent in 251182 control chromosomes. The available data on variant occurrences in the general population are insufficient to allow any conclusion about variant significance. c.473T>C has been reported in the literature in at least one compound heterozygous individual affected with either Gaucher Disease, type 1 (e.g. Germain_1998) or Parkinson's disease (e.g. Maple-Grodem_2021). These data are not sufficient to allow any conclusion about variant significance. To our knowledge, no experimental evidence demonstrating an impact on protein function has been reported. The following publications have been ascertained in the context of this evaluation (PMID: 9683600, 34275908). One submitter has cited clinical-significance assessments for this variant to ClinVar after 2014 and has classified the variant as uncertain significance. Based on the evidence outlined above, the variant was classified as uncertain significance.

Eurofins Ntd Llc (ga)
Classification: Uncertain significance. Last evaluated: 2017-07-26. Review status: criteria provided, single submitter. Criteria: EGL Classification Definitions 2015. Collection method: clinical testing. Allele origin: germline. Observed: 1 variant allele, 1 heterozygote.

Literature cited by the submitters: PubMed 9683600 (cited by 3 submitters); PubMed 34275908 (cited by Mayo Clinic Laboratories, Mayo Clinic and Women's Health and Genetics/Laboratory Corporation of America, LabCorp); PubMed 34897099 (cited by Mayo Clinic Laboratories, Mayo Clinic); PubMed 9215746 (cited by Mayo Clinic Laboratories, Mayo Clinic).

NM_000157.4(GBA1):c.473T>C (p.Ile158Thr)

Genes: GBA1 (glucosylceramidase beta 1; minus strand), LOC106627981 (GBA recombination region; plus strand). Cytogenetic location: 1q22.
Variant type: single nucleotide variant.
Coding change: c.473T>C on transcript NM_000157.4 (MANE Select); coding-DNA position 473, T replaced by C.
Protein change: p.Ile158Thr; replaces isoleucine 158 with threonine.
Molecular consequence: missense variant.
Genome position (GRCh38, 1-based): chr1:155,238,632, A>G on the plus strand (T>C on the coding strand, the complement: GBA1 is on the minus strand). VCF-style: chr1-155238632-A-G. GRCh37 (hg19) VCF-style: chr1-155208423-A-G.
Other names: p.Ile158Thr; c.473T>C (NM_000157.3); c.473T>C, p.Ile158Thr (NM_001005741.3, NM_001005742.3); c.212T>C, p.Ile71Thr (NM_001171811.2); c.326T>C, p.Ile109Thr (NM_001171812.2); short protein forms I158T, I109T, I71T.
Identifiers: ClinVar variation 593410 (VCV000593410.8), dbSNP rs77834747, ClinGen allele CA342724790.